The following is an entry in ClinVar:

NM_018075.5(ANO10):c.472+1G>T

Gene: ANO10 (anoctamin 10; minus strand). Cytogenetic location: 3p22.1.
Variant type: single nucleotide variant.
Coding change: c.472+1G>T on transcript NM_018075.5 (MANE Select); the canonical splice donor site of the intron after coding-DNA position 472, G replaced by T.
Molecular consequence: splice donor variant. On other transcripts: intron variant (1).
Genome position (GRCh38, 1-based): chr3:43,598,531, C>A on the plus strand (G>T on the coding strand, the complement: ANO10 is on the minus strand). VCF-style: chr3-43598531-C-A. GRCh37 (hg19) VCF-style: chr3-43640023-C-A.
Other names: c.274+1G>T (NM_001346469.2, NM_001204832.3, NM_001346466.2); c.472+1G>T (NM_001346468.2, NM_001204834.3, NM_001346465.2 and 4 more transcripts); c.139+7183G>T (NM_001204833.3).
Identifiers: ClinVar variation 2571176 (VCV002571176.30), dbSNP rs1236949666, ClinGen allele CA352345264.

ClinVar aggregate classification (germline): Pathogenic/Likely pathogenic. Review status: criteria provided, multiple submitters, no conflicts (2 of 4 stars). 2 submissions from 2 submitters: Pathogenic (1); Likely pathogenic (1). Last evaluated 2023-06-01.

gnomAD v4.1: 1 of 1,612,936 alleles (0.000062%); highest among the groups gnomAD compares: Non-Finnish European, 0.000085%; no homozygotes.

Submissions (2):

CeGaT Center for Human Genetics Tuebingen
Classification: Pathogenic. Last evaluated: 2023-06-01. Review status: criteria provided, single submitter. Criteria: CeGaT Center For Human Genetics Tuebingen Variant Classification Criteria Version 2. Collection method: clinical testing. Allele origin: germline. Affected: yes. Observed: 1 variant allele.
Comment: ANO10: PVS1, PM2, PM3:Supporting

Labcorp Genetics (formerly Invitae), Labcorp
Classification: Likely pathogenic. Last evaluated: 2023-01-18. Review status: criteria provided, single submitter. Criteria: Invitae Variant Classification Sherloc (09022015). Collection method: clinical testing. Allele origin: germline.
Comment: In summary, the currently available evidence indicates that the variant is pathogenic, but additional data are needed to prove that conclusively. Therefore, this variant has been classified as Likely Pathogenic. Algorithms developed to predict the effect of sequence changes on RNA splicing suggest that this variant may disrupt the consensus splice site. This variant has not been reported in the literature in individuals affected with ANO10-related conditions. This variant is present in population databases (no rsID available, gnomAD 0.0009%). This sequence change affects a donor splice site in intron 4 of the ANO10 gene. It is expected to disrupt RNA splicing. Variants that disrupt the donor or acceptor splice site typically lead to a loss of protein function (PMID: 16199547), and loss-of-function variants in ANO10 are known to be pathogenic (PMID: 25089919).

Literature cited by the submitters: PubMed 16199547 (cited by Labcorp Genetics (formerly Invitae), Labcorp); PubMed 25089919 (cited by Labcorp Genetics (formerly Invitae), Labcorp).